The following is an entry in ClinVar:

NM_001081.4(CUBN):c.1855A>G (p.Ile619Val)

Gene: CUBN (cubilin; minus strand). Cytogenetic location: 10p13.
Variant type: single nucleotide variant.
Coding change: c.1855A>G on transcript NM_001081.4 (MANE Select); coding-DNA position 1855, A replaced by G.
Protein change: p.Ile619Val; replaces isoleucine 619 with valine.
Molecular consequence: missense variant.
Genome position (GRCh38, 1-based): chr10:17,088,256, T>C on the plus strand (A>G on the coding strand, the complement: CUBN is on the minus strand). VCF-style: chr10-17088256-T-C. GRCh37 (hg19) VCF-style: chr10-17130255-T-C.
Other names: short protein forms I619V.
Identifiers: ClinVar variation 3498561 (VCV003498561.2).

ClinVar aggregate classification (germline): Uncertain significance. Review status: criteria provided, multiple submitters, no conflicts (2 of 4 stars). 2 submissions from 2 submitters: Uncertain significance (2). Last evaluated 2025-03-18.

Conditions:
Inborn genetic diseases. Identifiers: MedGen C0950123, MeSH D030342.
Imerslund-Grasbeck syndrome. Also called: Imerslund-Gräsbeck syndrome; ENTEROCYTE COBALAMIN MALABSORPTION; ENTEROCYTE INTRINSIC FACTOR RECEPTOR, DEFECT OF; Megaloblastic anemia due to inborn errors of metabolism; PERNICIOUS ANEMIA, JUVENILE, DUE TO SELECTIVE INTESTINAL MALABSORPTION OF VITAMIN B12, WITH PROTEINURIA. Identifiers: Orphanet 35858, MedGen C4551825, MONDO:0009853.

gnomAD v4.1: 17 of 1,613,564 alleles (0.0011%); highest among the groups gnomAD compares: African/African-American, 0.021%; no homozygotes.

Submissions (2):

Labcorp Genetics (formerly Invitae), Labcorp
Classification: Uncertain significance for Imerslund-Grasbeck syndrome. Last evaluated: 2025-03-18. Review status: criteria provided, single submitter. Criteria: Invitae Variant Classification Sherloc (09022015). Collection method: clinical testing. Allele origin: germline.
Comment: This sequence change replaces isoleucine, which is neutral and non-polar, with valine, which is neutral and non-polar, at codon 619 of the CUBN protein (p.Ile619Val). This variant is present in population databases (no rsID available, gnomAD 0.02%). This variant has not been reported in the literature in individuals affected with CUBN-related conditions. ClinVar contains an entry for this variant (Variation ID: 3498561). Invitae Evidence Modeling of protein sequence and biophysical properties (such as structural, functional, and spatial information, amino acid conservation, physicochemical variation, residue mobility, and thermodynamic stability) indicates that this missense variant is not expected to disrupt CUBN protein function with a negative predictive value of 80%. In summary, the available evidence is currently insufficient to determine the role of this variant in disease. Therefore, it has been classified as a Variant of Uncertain Significance.

Ambry Genetics
Classification: Uncertain significance for Inborn genetic diseases. Last evaluated: 2024-08-21. Review status: criteria provided, single submitter. Criteria: Ambry Variant Classification Scheme 2023. Collection method: clinical testing. Allele origin: germline.